The following is an entry in ClinVar:

NM_000092.5(COL4A4):c.1821G>A (p.Ala607=)

Gene: COL4A4 (collagen type IV alpha 4 chain; minus strand). Cytogenetic location: 2q36.3.
Variant type: single nucleotide variant.
Coding change: c.1821G>A on transcript NM_000092.5 (MANE Select); coding-DNA position 1821, G replaced by A.
Protein change: p.Ala607=; no amino-acid change (alanine 607 retained).
Molecular consequence: synonymous variant.
Genome position (GRCh38, 1-based): chr2:227,078,060, C>T on the plus strand (G>A on the coding strand, the complement: COL4A4 is on the minus strand). VCF-style: chr2-227078060-C-T. GRCh37 (hg19) VCF-style: chr2-227942776-C-T.
Other names: p.Ala607=.
Identifiers: ClinVar variation 334729 (VCV000334729.23), dbSNP rs114684841, ClinGen allele CA2145038.

ClinVar aggregate classification (germline): Benign. Review status: criteria provided, multiple submitters, no conflicts (2 of 4 stars). 8 submissions from 8 submitters: Benign (7). 1 of the submissions does not count toward it. Last evaluated 2026-02-01.

Conditions:
Focal segmental glomerulosclerosis (FSGS). Also called: Glomerulosclerosis, focal; Focal sclerosis with hyalinosis. Identifiers: MedGen C0017668, MONDO:0100313, HP:0000097. Disease mechanism: loss of function.
Alport syndrome. Also called: Hemorrhagic familial nephritis; Hemorrhagic hereditary nephritis; Congenital hereditary hematuria. Identifiers: Orphanet 63, MedGen C1567741, MONDO:0018965.

Allele frequency attached by ClinVar (database versions not stated): gnomAD exomes 0.00309; ExAC 0.00383; ESP Exome Variant Server 0.01168; gnomAD 0.01171 and 0.01262; TOPMed 0.01311; 1000 Genomes Project 0.01498; 1000 Genomes Project 30x 0.01577.
gnomAD v4.1: 3,732 of 1,613,876 alleles (0.23%); highest among the groups gnomAD compares: African/African-American, 4.4%; 64 homozygotes.

Submissions (8):

Labcorp Genetics (formerly Invitae), Labcorp
Classification: Benign. Last evaluated: 2026-02-01. Review status: criteria provided, single submitter. Criteria: Invitae Variant Classification Sherloc (09022015). Collection method: clinical testing. Allele origin: germline.

Mayo Clinic Laboratories, Mayo Clinic
Classification: Benign. Last evaluated: 2023-04-03. Review status: criteria provided, single submitter. Criteria: ACMG Guidelines, 2015. Collection method: clinical testing. Allele origin: germline. Observed: 7 variant alleles.
Comment: BS1, BS2, BP4, BP7

Genome Diagnostics Laboratory, The Hospital for Sick Children
Classification: Benign for Focal segmental glomerulosclerosis. Last evaluated: 2022-08-16. Review status: criteria provided, single submitter. Criteria: ACMG Guidelines, 2015. Collection method: clinical testing. Allele origin: germline.

GeneDx
Classification: Benign. Last evaluated: 2018-02-16. Review status: criteria provided, single submitter. Criteria: GeneDx Variant Classification (06012015). Collection method: clinical testing. Allele origin: germline. Affected: yes.
Comment: This variant is considered likely benign or benign based on one or more of the following criteria: it is a conservative change, it occurs at a poorly conserved position in the protein, it is predicted to be benign by multiple in silico algorithms, and/or has population frequency not consistent with disease.

Illumina Laboratory Services, Illumina
Classification: Benign for Alport syndrome. Last evaluated: 2018-01-12. Review status: criteria provided, single submitter. Criteria: ICSL Variant Classification Criteria 13 December 2019. Collection method: clinical testing. Allele origin: germline.
Comment: This variant was observed in the ICSL laboratory as part of a predisposition screen in an ostensibly healthy population. It had not been previously curated by ICSL or reported in the Human Gene Mutation Database (HGMD: prior to June 1st, 2018), and was therefore a candidate for classification through an automated scoring system. Utilizing variant allele frequency, disease prevalence and penetrance estimates, and inheritance mode, an automated score was calculated to assess if this variant is too frequent to cause the disease. Based on the score and internal cut-off values, a variant classified as benign is not then subjected to further curation. The score for this variant resulted in a classification of benign for this disease.

Laboratory for Molecular Medicine, Mass General Brigham Personalized Medicine
Classification: Benign. Last evaluated: 2016-03-21. Review status: criteria provided, single submitter. Criteria: LMM Criteria. Collection method: clinical testing. Allele origin: germline. Observed: 4 variant alleles.
Comment: p.Ala607Ala in exon 25 of COL4A4: This variant is not expected to have clinical significance because it does not alter an amino acid residue, is not located wit hin the splice consensus sequence, and has been identified in 4.48% (430/9600) o f African chromosomes by the Exome Aggregation Consortium (ExAC; dbSNP rs114684841).

Breakthrough Genomics
Classification: Benign. Review status: criteria provided, single submitter. Criteria: ACMG Guidelines, 2015. Collection method: not provided. Allele origin: germline. Inheritance: Autosomal recessive inheritance. Affected: yes.

Natera, Inc.
Classification: Benign for Alport syndrome. Last evaluated: 2020-09-16. Review status: no assertion criteria provided. Collection method: clinical testing. Allele origin: germline. Not counted in ClinVar's aggregate classification.